The following is an entry in ClinVar:

ClinVar aggregate classification (germline): Likely pathogenic. Review status: criteria provided, multiple submitters, no conflicts (2 of 4 stars). 2 submissions from 2 submitters: Likely pathogenic (2). Last evaluated 2024-01-01.

Conditions:
Baraitser-Winter syndrome 1 (BRWS1). Also called: BARAITSER-WINTER SYNDROME 1, ATYPICAL; PACHYGYRIA, MENTAL RETARDATION, EPILEPSY, AND CHARACTERISTIC FACIES; MENTAL RETARDATION WITH EPILEPSY AND CHARACTERISTIC FACIES; Cerebrofrontofacial syndrome. Identifiers: Orphanet 2649, Orphanet 2995, MedGen C1855722, MONDO:0009470, OMIM 243310.
ACTB-related BAFopathy.

Submissions (2):

Daryl Scott Lab, Baylor College of Medicine
Classification: Likely pathogenic for Baraitser-Winter syndrome 1. Last evaluated: 2024-01-01. Review status: criteria provided, single submitter. Criteria: ACMG Guidelines, 2015. Collection method: clinical testing. Allele origin: de novo. Affected: yes. Observed: 1 heterozygote.
Comment: PS2, PM2, PP3

Baylor Genetics
Classification: Likely pathogenic for ACTB-related BAFopathy. Last evaluated: 2021-06-10. Review status: criteria provided, single submitter. Criteria: ACMG Guidelines, 2015. Collection method: clinical testing. Allele origin: de novo. Affected: yes.

NM_001101.5(ACTB):c.70G>A (p.Asp24Asn)

Gene: ACTB (actin beta; minus strand). Cytogenetic location: 7p22.1.
Variant type: single nucleotide variant.
Coding change: c.70G>A on transcript NM_001101.5 (MANE Select); coding-DNA position 70, G replaced by A.
Protein change: p.Asp24Asn; replaces aspartic acid 24 with asparagine.
Molecular consequence: missense variant.
Genome position (GRCh38, 1-based): chr7:5,529,588, C>T on the plus strand (G>A on the coding strand, the complement: ACTB is on the minus strand). VCF-style: chr7-5529588-C-T. GRCh37 (hg19) VCF-style: chr7-5569219-C-T.
Other names: short protein forms D24N.
Identifiers: ClinVar variation 1177309 (VCV001177309.2), dbSNP rs2128241451, ClinGen allele CA366706994.